The following is an entry in ClinVar:

ClinVar aggregate classification (germline): Benign/Likely benign. Review status: criteria provided, multiple submitters, no conflicts (2 of 4 stars). 3 submissions from 3 submitters: Benign (1); Likely benign (2). Last evaluated 2026-04-21.

Conditions:
Hereditary cancer-predisposing syndrome. Also called: Tumor predisposition; Hereditary Cancer Syndrome; Hereditary neoplastic syndrome; Neoplastic Syndromes, Hereditary. Identifiers: Orphanet 140162, MedGen C0027672, MeSH D009386, MONDO:0015356.
DICER1-related tumor predisposition. Also called: DICER1 syndrome; DICER1-related pleuropulmonary blastoma cancer predisposition syndrome. Identifiers: Orphanet 284343, MedGen C3839822, MONDO:0100216.

Allele frequency attached by ClinVar (database versions not stated): ExAC 0.00002; TOPMed 0.00006; gnomAD exomes 0.00001.
gnomAD v4.1: 6 of 1,613,800 alleles (0.00037%); highest among the groups gnomAD compares: African/African-American, 0.008%; no homozygotes.

Submissions (3):

Myriad Genetics, Inc.
Classification: Benign for DICER1-related tumor predisposition. Last evaluated: 2026-04-21. Review status: criteria provided, single submitter. Criteria: Myriad Autosomal Dominant, Autosomal Recessive and X-Linked Classification Criteria (2023). Collection method: clinical testing. Allele origin: unknown.
Comment: This variant is considered benign. This variant is a silent/synonymous amino acid change and it is not expected to impact splicing.

Labcorp Genetics (formerly Invitae), Labcorp
Classification: Likely benign for DICER1-related tumor predisposition. Last evaluated: 2025-11-10. Review status: criteria provided, single submitter. Criteria: Invitae Variant Classification Sherloc (09022015). Collection method: clinical testing. Allele origin: germline.

Ambry Genetics
Classification: Likely benign for Hereditary cancer-predisposing syndrome. Last evaluated: 2019-05-02. Review status: criteria provided, single submitter. Criteria: Ambry Variant Classification Scheme 2023. Collection method: clinical testing. Allele origin: germline.

NM_177438.3(DICER1):c.5556C>T (p.Ser1852=)

Gene: DICER1 (dicer 1, ribonuclease III; minus strand). Cytogenetic location: 14q32.13.
Variant type: single nucleotide variant.
Coding change: c.5556C>T on transcript NM_177438.3 (MANE Select); coding-DNA position 5556, C replaced by T.
Protein change: p.Ser1852=; no amino-acid change (serine 1852 retained).
Molecular consequence: synonymous variant. On other transcripts: missense variant (1).
Genome position (GRCh38, 1-based): chr14:95,091,081, G>A on the plus strand (C>T on the coding strand, the complement: DICER1 is on the minus strand). VCF-style: chr14-95091081-G-A. GRCh37 (hg19) VCF-style: chr14-95557418-G-A.
Other names: c.5393C>T, p.Pro1798Leu (NM_001195573.1); c.5556C>T, p.Ser1852= (NM_001271282.3, NM_001291628.2, NM_030621.4); short protein forms P1798L.
Identifiers: ClinVar variation 758406 (VCV000758406.17), dbSNP rs745795376, ClinGen allele CA7330630.